The following is an entry in ClinVar:

ClinVar aggregate classification (germline): Likely benign. Review status: criteria provided, multiple submitters, no conflicts (2 of 4 stars). 2 submissions from 2 submitters: Likely benign (2). Last evaluated 2024-05-13.

Conditions:
Progressive myoclonic epilepsy. Also called: Familial progressive myoclonic epilepsy; Myoclonic Epilepsies, Progressive; Myoclonus epilepsy; Progressive myoclonus epilepsy. Identifiers: Orphanet 308, Orphanet 98261, MedGen C0751778, MONDO:0020074.

Allele frequency attached by ClinVar (database versions not stated): gnomAD exomes 0.00001; ExAC 0.00002; gnomAD 0.00002; TOPMed 0.00003; ESP Exome Variant Server 0.00015.
gnomAD v4.1: 12 of 1,614,088 alleles (0.00074%); highest among the groups gnomAD compares: Non-Finnish European, 0.001%; no homozygotes.

Submissions (2):

Labcorp Genetics (formerly Invitae), Labcorp
Classification: Likely benign for Progressive myoclonic epilepsy. Last evaluated: 2024-05-13. Review status: criteria provided, single submitter. Criteria: Invitae Variant Classification Sherloc (09022015). Collection method: clinical testing. Allele origin: germline.

GeneDx
Classification: Likely benign. Last evaluated: 2017-06-22. Review status: criteria provided, single submitter. Criteria: GeneDx Variant Classification (06012015). Collection method: clinical testing. Allele origin: germline. Affected: yes.
Comment: This variant is considered likely benign or benign based on one or more of the following criteria: it is a conservative change, it occurs at a poorly conserved position in the protein, it is predicted to be benign by multiple in silico algorithms, and/or has population frequency not consistent with disease.

NM_005506.4(SCARB2):c.904T>C (p.Leu302=)

Gene: SCARB2 (scavenger receptor class B member 2; minus strand). Cytogenetic location: 4q21.1.
Variant type: single nucleotide variant.
Coding change: c.904T>C on transcript NM_005506.4 (MANE Select); coding-DNA position 904, T replaced by C.
Protein change: p.Leu302=; no amino-acid change (leucine 302 retained).
Molecular consequence: synonymous variant.
Genome position (GRCh38, 1-based): chr4:76,174,234, A>G on the plus strand (T>C on the coding strand, the complement: SCARB2 is on the minus strand). VCF-style: chr4-76174234-A-G. GRCh37 (hg19) VCF-style: chr4-77095387-A-G.
Other names: c.475T>C, p.Leu159= (NM_001204255.2).
Identifiers: ClinVar variation 518162 (VCV000518162.9), dbSNP rs377511764, ClinGen allele CA2970230.